The following is an entry in ClinVar:

NM_052867.4(NALCN):c.3805T>C (p.Trp1269Arg)

Gene: NALCN (sodium leak channel, non-selective; minus strand). Cytogenetic location: 13q32.3.
Variant type: single nucleotide variant.
Coding change: c.3805T>C on transcript NM_052867.4 (MANE Select); coding-DNA position 3805, T replaced by C.
Protein change: p.Trp1269Arg; replaces tryptophan 1269 with arginine.
Molecular consequence: missense variant.
Genome position (GRCh38, 1-based): chr13:101,081,607, A>G on the plus strand (T>C on the coding strand, the complement: NALCN is on the minus strand). VCF-style: chr13-101081607-A-G. GRCh37 (hg19) VCF-style: chr13-101733958-A-G.
Other names: c.3892T>C, p.Trp1298Arg (NM_001350748.2); c.3805T>C, p.Trp1269Arg (NM_001350749.2); c.3718T>C, p.Trp1240Arg (NM_001350750.2, NM_001350751.2); short protein forms W1240R, W1269R, W1298R.
Identifiers: ClinVar variation 1699650 (VCV001699650.2), dbSNP rs749305116, ClinGen allele CA7035290.

ClinVar aggregate classification (germline): Uncertain significance (1 of 4 stars; one submission).

Allele frequency attached by ClinVar (database versions not stated): gnomAD exomes below 0.00001; ExAC 0.00001; gnomAD 0.00001; TOPMed 0.00001.
gnomAD v4.1: 2 of 1,614,078 alleles (0.00012%); highest among the groups gnomAD compares: African/African-American, 0.0013%; no homozygotes.

Submission:

GeneDx
Classification: Uncertain significance. Last evaluated: 2022-01-27. Review status: criteria provided, single submitter. Criteria: GeneDx Variant Classification Process June 2021. Collection method: clinical testing. Allele origin: germline. Affected: yes.
Comment: Not observed at significant frequency in large population cohorts (gnomAD); In silico analysis supports that this missense variant has a deleterious effect on protein structure/function; Has not been previously published as pathogenic or benign to our knowledge